The following is an entry in ClinVar:

ClinVar aggregate classification (germline): Uncertain significance (1 of 4 stars; one submission).

Conditions:
Ataxia-telangiectasia syndrome (AT). Also called: ATAXIA-TELANGIECTASIA, COMPLEMENTATION GROUP A; ATAXIA-TELANGIECTASIA, FRESNO VARIANT; LOUIS-BAR SYNDROME; Ataxia-telangiectasia, complementation group D; Ataxia-telangiectasia, complementation group E; Cerebello-oculocutaneous telangiectasia. Identifiers: Orphanet 100, MedGen C0004135, MONDO:0008840, OMIM 208900.

Submission:

Labcorp Genetics (formerly Invitae), Labcorp
Classification: Uncertain significance for Ataxia-telangiectasia syndrome. Last evaluated: 2024-03-16. Review status: criteria provided, single submitter. Criteria: Invitae Variant Classification Sherloc (09022015). Collection method: clinical testing. Allele origin: germline.
Comment: This sequence change replaces aspartic acid, which is acidic and polar, with alanine, which is neutral and non-polar, at codon 831 of the ATM protein (p.Asp831Ala). This variant is not present in population databases (gnomAD no frequency). This variant has not been reported in the literature in individuals affected with ATM-related conditions. An algorithm developed to predict the effect of missense changes on protein structure and function (PolyPhen-2) suggests that this variant is likely to be tolerated. In summary, the available evidence is currently insufficient to determine the role of this variant in disease. Therefore, it has been classified as a Variant of Uncertain Significance.

NM_000051.4(ATM):c.2492A>C (p.Asp831Ala)

Gene: ATM (ATM serine/threonine kinase; plus strand). Cytogenetic location: 11q22.3.
Variant type: single nucleotide variant.
Coding change: c.2492A>C on transcript NM_000051.4 (MANE Select); coding-DNA position 2492, A replaced by C.
Protein change: p.Asp831Ala; replaces aspartic acid 831 with alanine.
Molecular consequence: missense variant.
Genome position (GRCh38, 1-based): chr11:108,267,196, A>C. VCF-style: chr11-108267196-A-C. GRCh37 (hg19) VCF-style: chr11-108137923-A-C.
Other names: c.2492A>C, p.Asp831Ala (NM_001351834.2); short protein forms D831A.
Identifiers: ClinVar variation 3646306 (VCV003646306.2).
Genomic context (GRCh38, chr11:108,267,196, plus strand): 5'-GCCATCTTGAACATCTTTGTTTCTCTTCCTTGAAGGCATCCTTCATCAAAAAGCCATTTG[A>C]CCGTGGAGAAGTAGAATCAATGGAAGATGATACTAATGGAAATCTAATGGAGGTGGAGGA-3'
Protein context (NP_000042.3, residues 821-841): SLASFIKKPF[Asp831Ala]RGEVESMEDD